The following is an entry in ClinVar:

NM_001297.5(CNGB1):c.2893G>T (p.Gly965Cys)

Gene: CNGB1 (cyclic nucleotide gated channel subunit beta 1; minus strand). Cytogenetic location: 16q21.
Variant type: single nucleotide variant.
Coding change: c.2893G>T on transcript NM_001297.5 (MANE Select); coding-DNA position 2893, G replaced by T.
Protein change: p.Gly965Cys; replaces glycine 965 with cysteine.
Molecular consequence: missense variant.
Genome position (GRCh38, 1-based): chr16:57,901,435, C>A on the plus strand (G>T on the coding strand, the complement: CNGB1 is on the minus strand). VCF-style: chr16-57901435-C-A. GRCh37 (hg19) VCF-style: chr16-57935339-C-A.
Other names: c.2875G>T, p.Gly959Cys (NM_001286130.2); short protein forms G959C, G965C.
Identifiers: ClinVar variation 1017581 (VCV001017581.10), dbSNP rs559591083, ClinGen allele CA8082765.

ClinVar aggregate classification (germline): Uncertain significance. Review status: criteria provided, multiple submitters, no conflicts (2 of 4 stars). 2 submissions from 2 submitters: Uncertain significance (2). Last evaluated 2022-09-01.

Allele frequency attached by ClinVar (database versions not stated): ExAC 0.00002; TOPMed 0.00002; gnomAD exomes 0.00003; 1000 Genomes Project 30x 0.00016; 1000 Genomes Project 0.00020.
gnomAD v4.1: 9 of 1,614,200 alleles (0.00056%); highest among the groups gnomAD compares: East Asian, 0.02%; no homozygotes.

Submissions (3):

Labcorp Genetics (formerly Invitae), Labcorp
Classification: Uncertain significance. Last evaluated: 2022-09-01. Review status: criteria provided, single submitter. Criteria: Invitae Variant Classification Sherloc (09022015). Collection method: clinical testing. Allele origin: germline.
Comment: This variant has not been reported in the literature in individuals affected with CNGB1-related conditions. In summary, the available evidence is currently insufficient to determine the role of this variant in disease. Therefore, it has been classified as a Variant of Uncertain Significance. Algorithms developed to predict the effect of missense changes on protein structure and function are either unavailable or do not agree on the potential impact of this missense change (SIFT: "Deleterious"; PolyPhen-2: "Probably Damaging"; Align-GVGD: "Class C15"). ClinVar contains an entry for this variant (Variation ID: 1017581). This variant is present in population databases (rs559591083, gnomAD 0.04%). This sequence change replaces glycine, which is neutral and non-polar, with cysteine, which is neutral and slightly polar, at codon 965 of the CNGB1 protein (p.Gly965Cys).

Blueprint Genetics
Classification: Uncertain significance. Last evaluated: 2022-08-10. Review status: criteria provided, single submitter. Criteria: ACMG Guidelines, 2015. Collection method: clinical testing. Allele origin: germline.

Dr. Peter K. Rogan Lab, Western University
No classification provided (evidence only). Condition: Malignant tumor of esophagus. Review status: no classification provided. Collection method: in vitro. Allele origin: not applicable. Functional consequence: retained intron. Not counted in ClinVar's aggregate classification.